The following is an entry in ClinVar:

ClinVar aggregate classification (germline): Uncertain significance (1 of 4 stars; one submission).

Conditions:
Perlman syndrome (PRLMNS). Identifiers: Orphanet 2849, MedGen C0796113, MONDO:0009965, OMIM 267000.

gnomAD v4.1: 1 of 1,614,078 alleles (0.000062%); highest among the groups gnomAD compares: Non-Finnish European, 0.000085%; no homozygotes.

Submission:

Labcorp Genetics (formerly Invitae), Labcorp
Classification: Uncertain significance for Perlman syndrome. Last evaluated: 2021-12-31. Review status: criteria provided, single submitter. Criteria: Invitae Variant Classification Sherloc (09022015). Collection method: clinical testing. Allele origin: germline.
Comment: This variant has not been reported in the literature in individuals affected with DIS3L2-related conditions. In summary, the available evidence is currently insufficient to determine the role of this variant in disease. Therefore, it has been classified as a Variant of Uncertain Significance. Algorithms developed to predict the effect of missense changes on protein structure and function (SIFT, PolyPhen-2, Align-GVGD) all suggest that this variant is likely to be tolerated. This variant is not present in population databases (gnomAD no frequency). This sequence change replaces asparagine, which is neutral and polar, with histidine, which is basic and polar, at codon 39 of the DIS3L2 protein (p.Asn39His).

NM_152383.5(DIS3L2):c.115A>C (p.Asn39His)

Gene: DIS3L2 (DIS3 like 3'-5' exoribonuclease 2; plus strand). Cytogenetic location: 2q37.1.
Variant type: single nucleotide variant.
Coding change: c.115A>C on transcript NM_152383.5 (MANE Select); coding-DNA position 115, A replaced by C.
Protein change: p.Asn39His; replaces asparagine 39 with histidine.
Molecular consequence: missense variant. On other transcripts: non-coding transcript variant (2).
Genome position (GRCh38, 1-based): chr2:232,015,576, A>C. VCF-style: chr2-232015576-A-C. GRCh37 (hg19) VCF-style: chr2-232880286-A-C.
Other names: c.115A>C, p.Asn39His (NM_001257281.2, NM_001257282.2); short protein forms N39H.
Identifiers: ClinVar variation 1939107 (VCV001939107.5), dbSNP rs1376481654, ClinGen allele CA351151931.